The following is an entry in ClinVar:

ClinVar aggregate classification (germline): Conflicting classifications of pathogenicity. Review status: criteria provided, conflicting classifications (1 of 4 stars). 2 submissions from 2 submitters: Uncertain significance (1); Likely benign (1). Last evaluated 2024-04-02.

Conditions:
Hereditary diffuse gastric adenocarcinoma (HDGC). Also called: DIFFUSE GASTRIC AND LOBULAR BREAST CANCER SYNDROME. Identifiers: Orphanet 26106, MedGen C1708349, MONDO:0007648, OMIM 137215.
Hereditary cancer-predisposing syndrome. Also called: Neoplastic Syndromes, Hereditary; Tumor predisposition; Hereditary neoplastic syndrome; Hereditary Cancer Syndrome. Identifiers: Orphanet 140162, MedGen C0027672, MeSH D009386, MONDO:0015356.

Submissions (2):

Labcorp Genetics (formerly Invitae), Labcorp
Classification: Uncertain significance for Hereditary diffuse gastric adenocarcinoma. Last evaluated: 2024-04-02. Review status: criteria provided, single submitter. Criteria: Invitae Variant Classification Sherloc (09022015). Collection method: clinical testing. Allele origin: germline.
Comment: This sequence change replaces valine, which is neutral and non-polar, with methionine, which is neutral and non-polar, at codon 487 of the CDH1 protein (p.Val487Met). This variant is not present in population databases (gnomAD no frequency). This variant has not been reported in the literature in individuals affected with CDH1-related conditions. Algorithms developed to predict the effect of missense changes on protein structure and function output the following: SIFT: "Not Available"; PolyPhen-2: "Benign"; Align-GVGD: "Not Available". The methionine amino acid residue is found in multiple mammalian species, which suggests that this missense change does not adversely affect protein function. In summary, the available evidence is currently insufficient to determine the role of this variant in disease. Therefore, it has been classified as a Variant of Uncertain Significance.

Ambry Genetics
Classification: Likely benign for Hereditary cancer-predisposing syndrome. Last evaluated: 2023-09-25. Review status: criteria provided, single submitter. Criteria: Ambry Variant Classification Scheme 2023. Collection method: clinical testing. Allele origin: germline.

NM_004360.5(CDH1):c.1459G>A (p.Val487Met)

Gene: CDH1 (cadherin 1; plus strand). Cytogenetic location: 16q22.1.
Variant type: single nucleotide variant.
Coding change: c.1459G>A on transcript NM_004360.5 (MANE Select); coding-DNA position 1459, G replaced by A.
Protein change: p.Val487Met; replaces valine 487 with methionine.
Molecular consequence: missense variant. On other transcripts: 5 prime UTR variant (2).
Genome position (GRCh38, 1-based): chr16:68,815,653, G>A. VCF-style: chr16-68815653-G-A. GRCh37 (hg19) VCF-style: chr16-68849556-G-A.
Other names: c.-361G>A (NM_001317186.2); c.1276G>A, p.Val426Met (NM_001317184.2); c.-90G>A (NM_001317185.2); short protein forms V426M, V487M.
Identifiers: ClinVar variation 2759305 (VCV002759305.4), dbSNP rs2152134951, ClinGen allele CA396463099.